The following is an entry in ClinVar:

ClinVar aggregate classification (germline): Pathogenic (1 of 4 stars; one submission).

Submission:

Clinical Genomics Laboratory, Laboratory for Precision Diagnostics, University of Washington
Classification: Pathogenic. Last evaluated: 2025-03-04. Review status: criteria provided, single submitter. Criteria: ACMG/ClinGen CNV Guidelines, 2019. Collection method: clinical testing. Allele origin: unknown. Affected: yes. Observed: 1 variant allele.
Comment: This interstitial deletion corresponds to the recurrent microdeletion that causes Williams syndrome. It is approximately 1.4 Mb in size and contains 24 protein-coding genes, including ELN (OMIM 130160), LIMK1 (OMIM 601329), GTF2I (OMIM 601679) and GTF2IRD1 (OMIM 604318).

Literature cited by the submitters: PubMed 34140529; PubMed 31964759.

GRCh38/hg38 7q11.23(chr7:73308989-74727507)x1

Genes: ABHD11 (abhydrolase domain containing 11; minus strand), ABHD11-AS1 (ABHD11 antisense RNA 1 (tail to tail); plus strand), BAZ1B (bromodomain adjacent to zinc finger domain 1B; minus strand), BCL7B (BAF chromatin remodeling complex subunit BCL7B; minus strand), BUD23 (BUD23 rRNA methyltransferase and ribosome maturation factor; plus strand) and 126 more. Cytogenetic location: 7q11.23.
Variant type: copy number loss.
Change: copy number 1 (one copy instead of two) of chr7:73,308,989-74,727,507 (1.42 Mb, GRCh38 coordinates, 1-based), cytogenetic band 7q11.23.
Identifiers: ClinVar variation 5038346 (VCV005038346.1).